The following is an entry in ClinVar:

ClinVar aggregate classification (germline): Uncertain significance (1 of 4 stars; one submission).

Conditions:
Aortic aneurysm, familial thoracic 8 (AAT8). Identifiers: MedGen C3809513, MONDO:0014187, OMIM 615436.

Submission:

Labcorp Genetics (formerly Invitae), Labcorp
Classification: Uncertain significance for Aortic aneurysm, familial thoracic 8. Last evaluated: 2024-04-03. Review status: criteria provided, single submitter. Criteria: Invitae Variant Classification Sherloc (09022015). Collection method: clinical testing. Allele origin: germline.
Comment: This variant, c.1790_1792del, results in the deletion of 1 amino acid(s) of the PRKG1 protein (p.Lys597del), but otherwise preserves the integrity of the reading frame. This variant is present in population databases (rs758189256, gnomAD 0.007%). This variant has not been reported in the literature in individuals affected with PRKG1-related conditions. Experimental studies and prediction algorithms are not available or were not evaluated, and the functional significance of this variant is currently unknown. In summary, the available evidence is currently insufficient to determine the role of this variant in disease. Therefore, it has been classified as a Variant of Uncertain Significance.

NM_006258.4(PRKG1):c.1787AGA[1] (p.Lys597del)

Gene: PRKG1 (protein kinase cGMP-dependent 1; plus strand). Cytogenetic location: 10q21.1.
Variant type: Microsatellite.
Coding change: c.1787AGA[1] on transcript NM_006258.4 (MANE Select); one copy of the 3-base unit AGA starting at c.1787; the reference has two copies in a row; one copy, 3 bases deleted.
Protein change: p.Lys597del; deletes lysine 597.
Genome position (GRCh38, 1-based): chr10:52,288,806-52,288,808, AGA deleted; deleting any 3 consecutive bases within chr10:52,288,802-52,288,808 gives the same sequence; the position shown is the placement nearest the transcript's 3' end. VCF-style (leftmost placement, unchanged base first): chr10-52288801-AAAG-A. GRCh37 (hg19) VCF-style: chr10-54048561-AAAG-A.
Other names: c.1742AGA[1], p.Lys582del (NM_001098512.3); c.578AGA[1], p.Lys194del (NM_001374781.1); short protein forms K194del, K597del, K582del.
Identifiers: ClinVar variation 3672588 (VCV003672588.2).
Genomic context (GRCh38, chr10:52,288,801, plus strand): 5'-CCCAGATCCTATGAAAACCTATAACATCATATTGAGGGGGATTGACATGATAGAATTTCC[AAAG>A]AAGATTGCCAAAAATGCTGCTAATTTAATTAAAAAACTATGCAGGTAAGTATTTCAACCA-3'